The following is an entry in ClinVar:

NM_024747.6(HPS6):c.1361T>C (p.Met454Thr)

Gene: HPS6 (HPS6 biogenesis of lysosomal organelles complex 2 subunit 3; plus strand). Cytogenetic location: 10q24.32.
Variant type: single nucleotide variant.
Coding change: c.1361T>C on transcript NM_024747.6 (MANE Select); coding-DNA position 1361, T replaced by C.
Protein change: p.Met454Thr; replaces methionine 454 with threonine.
Molecular consequence: missense variant.
Genome position (GRCh38, 1-based): chr10:102,066,835, T>C. VCF-style: chr10-102066835-T-C. GRCh37 (hg19) VCF-style: chr10-103826592-T-C.
Other names: short protein forms M454T.
Identifiers: ClinVar variation 1436043 (VCV001436043.3), dbSNP rs774992667, ClinGen allele CA5659970.
Genomic context (GRCh38, chr10:102,066,835, plus strand): 5'-CACCTCAGGCTCTGGCCTCCATCCTCCAGGGCCACCTGCCCCCATCTGCACTGCTGACCA[T>C]GTTGAGGACCGAGCTTCGGGATTACCGAGGCTTAGAACAGCTGAAGGCCCAGCTGGTGGC-3'
Protein context (NP_079023.2, residues 444-464): GHLPPSALLT[Met454Thr]LRTELRDYRG

ClinVar aggregate classification (germline): Uncertain significance (1 of 4 stars; one submission).

Allele frequency attached by ClinVar (database versions not stated): gnomAD exomes below 0.00001 and 0.00001; ExAC 0.00001; gnomAD 0.00001.
gnomAD v4.1: 7 of 1,614,054 alleles (0.00043%); highest among the groups gnomAD compares: Admixed American, 0.005%; no homozygotes.

Submission:

Labcorp Genetics (formerly Invitae), Labcorp
Classification: Uncertain significance. Last evaluated: 2022-01-03. Review status: criteria provided, single submitter. Criteria: Invitae Variant Classification Sherloc (09022015). Collection method: clinical testing. Allele origin: germline.
Comment: This sequence change replaces methionine, which is neutral and non-polar, with threonine, which is neutral and polar, at codon 454 of the HPS6 protein (p.Met454Thr). This variant is present in population databases (rs774992667, gnomAD 0.006%). This variant has not been reported in the literature in individuals affected with HPS6-related conditions. Algorithms developed to predict the effect of missense changes on protein structure and function output the following: SIFT: "Tolerated"; PolyPhen-2: "Benign"; Align-GVGD: "Class C0". The threonine amino acid residue is found in multiple mammalian species, which suggests that this missense change does not adversely affect protein function. In summary, the available evidence is currently insufficient to determine the role of this variant in disease. Therefore, it has been classified as a Variant of Uncertain Significance.